The following is an entry in ClinVar:

ClinVar aggregate classification (germline): Uncertain significance. Review status: criteria provided, multiple submitters, no conflicts (2 of 4 stars). 3 submissions from 3 submitters: Uncertain significance (3). Last evaluated 2025-02-15.

Conditions:
Fanconi anemia (FA). Also called: Fanconi's anemia. Identifiers: Orphanet 84, MedGen C0015625, MeSH D005199, MONDO:0019391.
Inborn genetic diseases. Identifiers: MedGen C0950123, MeSH D030342.

Allele frequency attached by ClinVar (database versions not stated): gnomAD exomes below 0.00001; TOPMed 0.00001.
gnomAD v4.1: 5 of 1,612,196 alleles (0.00031%); highest among the groups gnomAD compares: Non-Finnish European, 0.00034%; no homozygotes.

Submissions (3):

Ambry Genetics
Classification: Uncertain significance for Inborn genetic diseases. Last evaluated: 2025-02-15. Review status: criteria provided, single submitter. Criteria: Ambry Variant Classification Scheme 2023. Collection method: clinical testing. Allele origin: germline.
Comment: The p.Q333R variant (also known as c.998A>G), located in coding exon 5 of the FANCM gene, results from an A to G substitution at nucleotide position 998. The glutamine at codon 333 is replaced by arginine, an amino acid with highly similar properties. This amino acid position is conserved. In addition, the in silico prediction for this alteration is inconclusive. Based on the available evidence, the clinical significance of this variant remains unclear.

GeneDx
Classification: Uncertain significance. Last evaluated: 2021-05-24. Review status: criteria provided, single submitter. Criteria: GeneDx Variant Classification Process June 2021. Collection method: clinical testing. Allele origin: germline. Affected: yes.
Comment: Not observed at a significant frequency in large population cohorts (Lek 2016); In silico analysis supports that this missense variant has a deleterious effect on protein structure/function; Has not been previously published as pathogenic or benign to our knowledge

Labcorp Genetics (formerly Invitae), Labcorp
Classification: Uncertain significance for Fanconi anemia. Last evaluated: 2019-02-25. Review status: criteria provided, single submitter. Criteria: Invitae Variant Classification Sherloc (09022015). Collection method: clinical testing. Allele origin: germline.
Comment: In summary, the available evidence is currently insufficient to determine the role of this variant in disease. Therefore, it has been classified as a Variant of Uncertain Significance. Algorithms developed to predict the effect of missense changes on protein structure and function (SIFT, PolyPhen-2, Align-GVGD) all suggest that this variant is likely to be tolerated, but these predictions have not been confirmed by published functional studies and their clinical significance is uncertain. This variant has not been reported in the literature in individuals with FANCM-related conditions. This variant is not present in population databases (ExAC no frequency). This sequence change replaces glutamine with arginine at codon 333 of the FANCM protein (p.Gln333Arg). The glutamine residue is moderately conserved and there is a small physicochemical difference between glutamine and arginine.

NM_020937.4(FANCM):c.998A>G (p.Gln333Arg)

Gene: FANCM (FA complementation group M; plus strand). Cytogenetic location: 14q21.2.
Variant type: single nucleotide variant.
Coding change: c.998A>G on transcript NM_020937.4 (MANE Select); coding-DNA position 998, A replaced by G.
Protein change: p.Gln333Arg; replaces glutamine 333 with arginine.
Molecular consequence: missense variant.
Genome position (GRCh38, 1-based): chr14:45,151,476, A>G. VCF-style: chr14-45151476-A-G. GRCh37 (hg19) VCF-style: chr14-45620679-A-G.
Other names: c.920A>G, p.Gln307Arg (NM_001308133.2); c.998A>G, p.Gln333Arg (NM_001308134.2); short protein forms Q307R, Q333R.
Identifiers: ClinVar variation 848111 (VCV000848111.12), dbSNP rs922819033, ClinGen allele CA259614368.